The following is an entry in ClinVar:

NM_001127222.2(CACNA1A):c.1724C>T (p.Ser575Phe)

Gene: CACNA1A (calcium voltage-gated channel subunit alpha1 A; minus strand). Cytogenetic location: 19p13.13.
Variant type: single nucleotide variant.
Coding change: c.1724C>T on transcript NM_001127222.2 (MANE Select); coding-DNA position 1724, C replaced by T.
Protein change: p.Ser575Phe; replaces serine 575 with phenylalanine.
Molecular consequence: missense variant.
Genome position (GRCh38, 1-based): chr19:13,308,473, G>A on the plus strand (C>T on the coding strand, the complement: CACNA1A is on the minus strand). VCF-style: chr19-13308473-G-A. GRCh37 (hg19) VCF-style: chr19-13419287-G-A.
Other names: c.1727C>T, p.Ser576Phe (NM_000068.4, NM_001127221.2, NM_001174080.2 and 1 more transcripts); short protein forms S575F, S576F.
Identifiers: ClinVar variation 2497759 (VCV002497759.1), dbSNP rs2512949587, ClinGen allele CA404345134.

ClinVar aggregate classification (germline): Uncertain significance (1 of 4 stars; one submission).

Submission:

GeneDx
Classification: Uncertain significance. Last evaluated: 2022-10-05. Review status: criteria provided, single submitter. Criteria: GeneDx Variant Classification Process June 2021. Collection method: clinical testing. Allele origin: germline. Affected: yes.
Comment: Not observed at significant frequency in large population cohorts (gnomAD); In silico analysis supports that this missense variant has a deleterious effect on protein structure/function; Has not been previously published as pathogenic or benign to our knowledge